The following is an entry in ClinVar:

NM_030777.4(SLC2A10):c.1393_1394del (p.Ser465fs)

Gene: SLC2A10 (solute carrier family 2 member 10; plus strand). Cytogenetic location: 20q13.12.
Variant type: Microsatellite.
Coding change: c.1393_1394del on transcript NM_030777.4 (MANE Select); coding-DNA positions 1393 to 1394, 2 bases deleted (TC; older notation c.1393_1394delTC).
Protein change: p.Ser465fs; shifts the reading frame from serine 465.
Molecular consequence: frameshift variant.
Genome position (GRCh38, 1-based): chr20:46,726,968-46,726,969, TC deleted; deleting any 2 consecutive bases within chr20:46,726,965-46,726,969 gives the same sequence; the c. name uses the placement nearest the transcript's 3' end. VCF-style (leftmost placement, unchanged base first): chr20-46726964-CCT-C. GRCh37 (hg19) VCF-style: chr20-45355603-CCT-C.
Other names: short protein forms S465fs.
Identifiers: ClinVar variation 1027638 (VCV001027638.1), dbSNP rs1980007276, ClinGen allele CA2366796935.

ClinVar aggregate classification (germline): Likely pathogenic (1 of 4 stars; one submission).

Conditions:
Arterial tortuosity syndrome (ATORS). Identifiers: Orphanet 3342, MedGen C1859726, MONDO:0008818, OMIM 208050.

Submission:

Women's Health and Genetics/Laboratory Corporation of America, LabCorp
Classification: Likely pathogenic for Arterial tortuosity syndrome. Last evaluated: 2021-03-11. Review status: criteria provided, single submitter. Criteria: LabCorp Variant Classification Summary - May 2015. Collection method: clinical testing. Allele origin: germline.
Comment: Variant summary: SLC2A10 c.1393_1394delTC (p.Ser465LeufsX34) results in a premature termination codon, predicted to cause a truncation of the encoded protein or absence of the protein due to nonsense mediated decay, which are commonly known mechanisms for disease. Truncations downstream of this position have not been observed/classified as pathogenic by our laboratory. The variant was absent in 251492 control chromosomes. To our knowledge, no occurrence of c.1393_1394delTC in individuals affected with Arterial Tortuosity Syndrome and no experimental evidence demonstrating its impact on protein function have been reported. No clinical diagnostic laboratories have submitted clinical-significance assessments for this variant to ClinVar after 2014. Based on the evidence outlined above, the variant was classified as likely pathogenic.